The following is an entry in ClinVar:

ClinVar aggregate classification (germline): Pathogenic (1 of 4 stars; one submission).

Submission:

GeneDx
Classification: Pathogenic. Last evaluated: 2018-01-03. Review status: criteria provided, single submitter. Criteria: GeneDx Variant Classification (06012015). Collection method: clinical testing. Allele origin: germline. Affected: yes.
Comment: The c.-23_8dup31 pathogenic variant in the MPZ gene causes a frameshift starting with codon Alanine 5, changes this amino acid to a Proline residue and creates a premature Stop codon at position 62 of the new reading frame, denoted p.Ala5ProfsX62. This pathogenic variant is predicted to cause loss of normal protein function either through protein truncation or nonsense-mediated mRNA decay. The c.-23_8dup31 variant is not observed in large population cohorts (Lek et al., 2016; 1000 Genomes Consortium et al., 2015; Exome Variant Server).

NM_000530.8(MPZ):c.-23_8dup (p.Ala5fs)

Gene: MPZ (myelin protein zero; minus strand). Cytogenetic location: 1q23.3.
Variant type: Duplication.
Coding change: c.-23_8dup on transcript NM_000530.8 (MANE Select); 23 bases upstream of the start codon through coding-DNA position 8, 31 bases duplicated.
Protein change: p.Ala5fs; shifts the reading frame from alanine 5.
Molecular consequence: frameshift variant, initiator codon variant.
Genome position (GRCh38, 1-based): chr1:161,309,898-161,309,928, 31 bases duplicated; duplicating any 31 consecutive bases within chr1:161,309,898-161,309,933 gives the same sequence; the c. name uses the placement nearest the transcript's 3' end. GRCh37 (hg19): chr1:161,279,693-161,279,723.
Other names: c.-23_8dup (LRG_256t1); c.-23_8dup, p.Ala5fs (NM_001315491.2); short protein forms A5fs.
Identifiers: ClinVar variation 426657 (VCV000426657.3), dbSNP rs1553260017, ClinGen allele CA645293790.